The following is an entry in ClinVar:

ClinVar aggregate classification (germline): Uncertain significance (1 of 4 stars; one submission).

Conditions:
Aicardi-Goutieres syndrome 4. Identifiers: Orphanet 51, MedGen C1835912, MONDO:0012472, OMIM 610333.

Allele frequency attached by ClinVar (database versions not stated): gnomAD exomes below 0.00001 and 0.00001.
gnomAD v4.1: 1 of 1,580,798 alleles (0.000063%); highest among the groups gnomAD compares: Non-Finnish European, 0.000086%; no homozygotes.

Submission:

Labcorp Genetics (formerly Invitae), Labcorp
Classification: Uncertain significance for Aicardi-Goutieres syndrome 4. Last evaluated: 2021-09-01. Review status: criteria provided, single submitter. Criteria: Invitae Variant Classification Sherloc (09022015). Collection method: clinical testing. Allele origin: germline.
Comment: This sequence change replaces leucine with proline at codon 42 of the RNASEH2A protein (p.Leu42Pro). The leucine residue is highly conserved and there is a moderate physicochemical difference between leucine and proline. This variant is not present in population databases (ExAC no frequency). This variant has not been reported in the literature in individuals affected with RNASEH2A-related conditions. Algorithms developed to predict the effect of missense changes on protein structure and function (SIFT, PolyPhen-2, Align-GVGD) all suggest that this variant is likely to be disruptive. In summary, the available evidence is currently insufficient to determine the role of this variant in disease. Therefore, it has been classified as a Variant of Uncertain Significance.

NM_006397.3(RNASEH2A):c.125T>C (p.Leu42Pro)

Genes: RNASEH2A (ribonuclease H2 subunit A; plus strand), LOC117038795 (CRISPRi-FlowFISH-validated PRDX2 regulatory element 4; plus strand). Cytogenetic location: 19p13.13.
Variant type: single nucleotide variant.
Coding change: c.125T>C on transcript NM_006397.3 (MANE Select); coding-DNA position 125, T replaced by C.
Protein change: p.Leu42Pro; replaces leucine 42 with proline.
Molecular consequence: missense variant.
Genome position (GRCh38, 1-based): chr19:12,806,798, T>C. VCF-style: chr19-12806798-T-C. GRCh37 (hg19) VCF-style: chr19-12917612-T-C.
Other names: short protein forms L42P.
Identifiers: ClinVar variation 1355542 (VCV001355542.5), dbSNP rs1482633002, ClinGen allele CA404263676.